The following is an entry in ClinVar:

ClinVar aggregate classification (germline): Benign (1 of 4 stars; one submission).

Allele frequency attached by ClinVar (database versions not stated): gnomAD 0.09134 and 0.09150; TOPMed 0.09797; 1000 Genomes Project 0.10443; 1000 Genomes Project 30x 0.10603.
gnomAD v4.1: 13,856 of 152,106 alleles (9.1%); highest among the groups gnomAD compares: African/African-American, 17%; 830 homozygotes.

Submission:

GeneDx
Classification: Benign. Last evaluated: 2018-06-16. Review status: criteria provided, single submitter. Criteria: GeneDx Variant Classification (06012015). Collection method: clinical testing. Allele origin: germline. Affected: yes.
Comment: This variant is considered likely benign or benign based on one or more of the following criteria: it is a conservative change, it occurs at a poorly conserved position in the protein, it is predicted to be benign by multiple in silico algorithms, and/or has population frequency not consistent with disease.

NM_182961.4(SYNE1):c.20396+254G>C

Gene: SYNE1 (spectrin repeat containing nuclear envelope protein 1; minus strand). Cytogenetic location: 6q25.2.
Variant type: single nucleotide variant.
Coding change: c.20396+254G>C on transcript NM_182961.4 (MANE Select); 254 bases into the intron after coding-DNA position 20396, G replaced by C.
Molecular consequence: intron variant.
Genome position (GRCh38, 1-based): chr6:152,235,853, C>G on the plus strand (G>C on the coding strand, the complement: SYNE1 is on the minus strand). VCF-style: chr6-152235853-C-G. GRCh37 (hg19) VCF-style: chr6-152556988-C-G.
Other names: c.20183+254G>C (NM_033071.5).
Identifiers: ClinVar variation 673433 (VCV000673433.1), dbSNP rs73005451, ClinGen allele CA150192960.
Genomic context (GRCh38, chr6:152,235,853, plus strand): 5'-GTACAGTAGCATGATCATGGCTCACTGCAGCCTCAACCTCCCAGGCTGAAGCAATCCTCC[C>G]ACTTCAGCCTCTCCAATAGCAGGGACCACAGGCATGTGCCACCATACCTAGTCCTTTTGT-3'